The following is an entry in ClinVar:

NM_000133.4(F9):c.760G>A (p.Gly254Ser)

Gene: F9 (coagulation factor IX; plus strand). Cytogenetic location: Xq27.1.
Variant type: single nucleotide variant.
Coding change: c.760G>A on transcript NM_000133.4 (MANE Select); coding-DNA position 760, G replaced by A.
Protein change: p.Gly254Ser; replaces glycine 254 with serine.
Molecular consequence: missense variant.
Genome position (GRCh38, 1-based): chrX:139,560,777, G>A. VCF-style: chrX-139560777-G-A. GRCh37 (hg19) VCF-style: chrX-138642936-G-A.
Other names: c.646G>A, p.Gly216Ser (NM_001313913.2); short protein forms G216S, G254S.
Identifiers: ClinVar variation 3896563 (VCV003896563.2).

ClinVar aggregate classification (germline): Pathogenic (1 of 4 stars; one submission).

Conditions:
Hereditary factor IX deficiency disease (HEMB). Also called: F9 DEFICIENCY; FACTOR IX DEFICIENCY; PLASMA THROMBOPLASTIN COMPONENT DEFICIENCY; Hemophilia B; Christmas Disease. Identifiers: Orphanet 98879, MedGen C0008533, MeSH D002836, MONDO:0010604, OMIM 306900.

Submission:

Women's Health and Genetics/Laboratory Corporation of America, LabCorp
Classification: Pathogenic for Hereditary factor IX deficiency disease. Last evaluated: 2025-04-02. Review status: criteria provided, single submitter. Criteria: LabCorp Variant Classification Summary - May 2015. Collection method: clinical testing. Allele origin: germline.
Comment: Variant summary: F9 c.760G>A (p.Gly254Ser) results in a non-conservative amino acid change in the encoded protein sequence. Five of five in-silico tools predict a damaging effect of the variant on protein function. The variant was absent in 183452 control chromosomes. The available data on variant occurrences in the general population are insufficient to allow any conclusion about variant significance. c.760G>A (also reported as p.Gly208Ser) has been reported in the presumed hemizygous state in the literature and publicly available database(s) in multiple individuals affected with Factor IX Deficiency (Hemophilia B), with F9 coagulation activity and antigen levels of <10%, respectively (e.g., Mukherjee_2004, Rastogi_2017). These data indicate that the variant is likely to be associated with disease. The following publications have been ascertained in the context of this evaluation (PMID: 15086324, 18540896, 28401110). No submitters have cited clinical-significance assessments for this variant to ClinVar. Based on the evidence outlined above, the variant was classified as pathogenic.

Literature cited by the submitters: PubMed 15086324; PubMed 18540896; PubMed 28401110.